The following is an entry in ClinVar:

NM_001130144.3(LTBP3):c.3148G>A (p.Val1050Met)

Genes: LTBP3 (latent transforming growth factor beta binding protein 3; minus strand), LOC121832793 (Sharpr-MPRA regulatory region 4001; plus strand). Cytogenetic location: 11q13.1.
Variant type: single nucleotide variant.
Coding change: c.3148G>A on transcript NM_001130144.3 (MANE Select); coding-DNA position 3148, G replaced by A.
Protein change: p.Val1050Met; replaces valine 1050 with methionine.
Molecular consequence: missense variant.
Genome position (GRCh38, 1-based): chr11:65,540,341, C>T on the plus strand (G>A on the coding strand, the complement: LTBP3 is on the minus strand). VCF-style: chr11-65540341-C-T. GRCh37 (hg19) VCF-style: chr11-65307812-C-T.
Other names: p.Val1050Met; c.2797G>A, p.Val933Met (NM_001164266.1); c.3148G>A, p.Val1050Met (NM_021070.4); short protein forms V1050M, V933M.
Identifiers: ClinVar variation 2683154 (VCV002683154.4), dbSNP rs770378505, ClinGen allele CA6100319.

ClinVar aggregate classification (germline): Uncertain significance. Review status: criteria provided, multiple submitters, no conflicts (2 of 4 stars). 2 submissions from 2 submitters: Uncertain significance (2). Last evaluated 2025-01-06.

Conditions:
Brachyolmia-amelogenesis imperfecta syndrome. Also called: PLATYSPONDYLY WITH AMELOGENESIS IMPERFECTA; Tooth agenesis, selective, 6; Dental anomalies and short stature. Identifiers: Orphanet 2899, MedGen C1832594, MONDO:0011018, OMIM 601216. Disease mechanism: loss of function.

Allele frequency attached by ClinVar (database versions not stated): gnomAD 0.00005; TOPMed 0.00005; ExAC 0.00007.
gnomAD v4.1: 19 of 1,585,844 alleles (0.0012%); highest among the groups gnomAD compares: Admixed American, 0.024%; no homozygotes.

Submissions (2):

Labcorp Genetics (formerly Invitae), Labcorp
Classification: Uncertain significance for Brachyolmia-amelogenesis imperfecta syndrome. Last evaluated: 2025-01-06. Review status: criteria provided, single submitter. Criteria: Invitae Variant Classification Sherloc (09022015). Collection method: clinical testing. Allele origin: germline.
Comment: This sequence change replaces valine, which is neutral and non-polar, with methionine, which is neutral and non-polar, at codon 1050 of the LTBP3 protein (p.Val1050Met). This variant is present in population databases (rs770378505, gnomAD 0.03%). This variant has not been reported in the literature in individuals affected with LTBP3-related conditions. ClinVar contains an entry for this variant (Variation ID: 2683154). An algorithm developed to predict the effect of missense changes on protein structure and function (PolyPhen-2) suggests that this variant is likely to be disruptive. In summary, the available evidence is currently insufficient to determine the role of this variant in disease. Therefore, it has been classified as a Variant of Uncertain Significance.

Mayo Clinic Laboratories, Mayo Clinic
Classification: Uncertain significance. Last evaluated: 2023-01-26. Review status: criteria provided, single submitter. Criteria: ACMG Guidelines, 2015. Collection method: clinical testing. Allele origin: germline. Observed: 1 variant allele.